The following is an entry in ClinVar:

ClinVar aggregate classification (germline): Uncertain significance (1 of 4 stars; one submission).

Conditions:
Fabry disease. Also called: ALPHA-GALACTOSIDASE A DEFICIENCY; ANDERSON-FABRY DISEASE; CERAMIDE TRIHEXOSIDASE DEFICIENCY; GLA DEFICIENCY; HEREDITARY DYSTOPIC LIPIDOSIS; Fabry's disease. Identifiers: Orphanet 324, MedGen C0002986, MONDO:0010526, OMIM 301500, HP:0001071. Disease mechanism: Fabry disease is due to inactivating mutations in the X-linked GLA gene resulting in deficiency of the enzyme Alpha Galactosidase-A., loss of function.

Submission:

Labcorp Genetics (formerly Invitae), Labcorp
Classification: Uncertain significance for Fabry disease. Last evaluated: 2020-06-10. Review status: criteria provided, single submitter. Criteria: Invitae Variant Classification Sherloc (09022015). Collection method: clinical testing. Allele origin: germline.
Comment: In summary, the available evidence is currently insufficient to determine the role of this variant in disease. Therefore, it has been classified as a Variant of Uncertain Significance. Algorithms developed to predict the effect of sequence changes on RNA splicing suggest that this variant may create or strengthen a splice site, but this prediction has not been confirmed by published transcriptional studies. Algorithms developed to predict the effect of missense changes on protein structure and function (SIFT, PolyPhen-2, Align-GVGD) all suggest that this variant is likely to be tolerated, but these predictions have not been confirmed by published functional studies and their clinical significance is uncertain. This variant has not been reported in the literature in individuals with GLA-related conditions. This variant is not present in population databases (ExAC no frequency). This sequence change replaces aspartic acid with glutamic acid at codon 233 of the GLA protein (p.Asp233Glu). The aspartic acid residue is weakly conserved and there is a small physicochemical difference between aspartic acid and glutamic acid.

NM_000169.3(GLA):c.699T>A (p.Asp233Glu)

Genes: GLA (galactosidase alpha; minus strand), RPL36A-HNRNPH2 (RPL36A-HNRNPH2 readthrough; plus strand). Cytogenetic location: Xq22.1.
Variant type: single nucleotide variant.
Coding change: c.699T>A on transcript NM_000169.3 (MANE Select); coding-DNA position 699, T replaced by A.
Protein change: p.Asp233Glu; replaces aspartic acid 233 with glutamic acid.
Molecular consequence: missense variant. On other transcripts: non-coding transcript variant (3), intron variant (2).
Genome position (GRCh38, 1-based): chrX:101,398,887, A>T on the plus strand (T>A on the coding strand, the complement: GLA is on the minus strand). VCF-style: chrX-101398887-A-T. GRCh37 (hg19) VCF-style: chrX-100653875-A-T.
Other names: c.822T>A, p.Asp274Glu (NM_001406747.1); c.699T>A, p.Asp233Glu (NM_001406748.1); c.300+3430A>T (NM_001199973.2); c.177+7065A>T (NM_001199974.2); short protein forms D233E, D274E.
Identifiers: ClinVar variation 1036852 (VCV001036852.9), dbSNP rs1928194620, ClinGen allele CA413924727.